The following is an entry in ClinVar:

NM_004239.4(TRIP11):c.5887G>A (p.Ala1963Thr)

Gene: TRIP11 (thyroid hormone receptor interactor 11; minus strand). Cytogenetic location: 14q32.12.
Variant type: single nucleotide variant.
Coding change: c.5887G>A on transcript NM_004239.4 (MANE Select); coding-DNA position 5887, G replaced by A.
Protein change: p.Ala1963Thr; replaces alanine 1963 with threonine.
Molecular consequence: missense variant.
Genome position (GRCh38, 1-based): chr14:91,969,726, C>T on the plus strand (G>A on the coding strand, the complement: TRIP11 is on the minus strand). VCF-style: chr14-91969726-C-T. GRCh37 (hg19) VCF-style: chr14-92436070-C-T.
Other names: c.5884G>A, p.Ala1962Thr (NM_001321851.1); short protein forms A1963T, A1962T.
Identifiers: ClinVar variation 426917 (VCV000426917.13), dbSNP rs61742059, ClinGen allele CA7313033.

ClinVar aggregate classification (germline): Conflicting classifications of pathogenicity. Review status: criteria provided, conflicting classifications (1 of 4 stars). 5 submissions from 5 submitters: Uncertain significance (3); Likely benign (2). Last evaluated 2026-01-27.

Conditions:
Achondrogenesis, type IA (ACG1A). Identifiers: Orphanet 932, Orphanet 93299, MedGen C0265273, MONDO:0008701, OMIM 200600.
Inborn genetic diseases. Identifiers: MedGen C0950123, MeSH D030342.

Allele frequency attached by ClinVar (database versions not stated): gnomAD exomes 0.00005 and 0.00021; ExAC 0.00027; gnomAD 0.00054 and 0.00058; TOPMed 0.00068; ESP Exome Variant Server 0.00077; 1000 Genomes Project 0.00120; 1000 Genomes Project 30x 0.00141.
gnomAD v4.1: 159 of 1,613,298 alleles (0.0099%); highest among the groups gnomAD compares: African/African-American, 0.16%; no homozygotes.

Submissions (5):

Labcorp Genetics (formerly Invitae), Labcorp
Classification: Likely benign for Achondrogenesis, type IA. Last evaluated: 2026-01-27. Review status: criteria provided, single submitter. Criteria: Invitae Variant Classification Sherloc (09022015). Collection method: clinical testing. Allele origin: germline.

Blueprint Genetics
Classification: Uncertain significance. Last evaluated: 2024-07-18. Review status: criteria provided, single submitter. Criteria: ACMG Guidelines, 2015. Collection method: clinical testing. Allele origin: germline.

Ambry Genetics
Classification: Uncertain significance for Inborn genetic diseases. Last evaluated: 2024-01-04. Review status: criteria provided, single submitter. Criteria: Ambry Variant Classification Scheme 2023. Collection method: clinical testing. Allele origin: germline.

ARUP Laboratories, Molecular Genetics and Genomics, ARUP Laboratories
Classification: Likely benign. Last evaluated: 2023-06-15. Review status: criteria provided, single submitter. Criteria: ARUP Molecular Germline Variant Investigation Process 2024. Collection method: clinical testing. Allele origin: germline.

GeneDx
Classification: Uncertain significance. Last evaluated: 2017-03-28. Review status: criteria provided, single submitter. Criteria: GeneDx Variant Classification (06012015). Collection method: clinical testing. Allele origin: germline. Affected: yes.
Comment: The A1963T variant has not been published as a pathogenic variant, nor has it been reported as a benign variant to our knowledge. The A1963T variant is observed in 29/10386 (0.28%) alleles in the ExAC dataset (Lek et al., 2016). The A1963T variant is a non-conservative amino acid substitution, which is likely to impact secondary protein structure as these residues differ in polarity, charge, size and/or other properties. This substitution occurs at a position where amino acids with similar properties to Alanine are tolerated across species. In silico analysis is inconsistent in its predictions as to whether or not the variant is damaging to the protein structure/function.